The following is an entry in ClinVar:

NM_012281.3(KCND2):c.1745A>G (p.Glu582Gly)

Gene: KCND2 (potassium voltage-gated channel subfamily D member 2; plus strand). Cytogenetic location: 7q31.31.
Variant type: single nucleotide variant.
Coding change: c.1745A>G on transcript NM_012281.3 (MANE Select); coding-DNA position 1745, A replaced by G.
Protein change: p.Glu582Gly; replaces glutamic acid 582 with glycine.
Molecular consequence: missense variant.
Genome position (GRCh38, 1-based): chr7:120,747,710, A>G. VCF-style: chr7-120747710-A-G. GRCh37 (hg19) VCF-style: chr7-120387764-A-G.
Other names: short protein forms E582G.
Identifiers: ClinVar variation 1908035 (VCV001908035.5), dbSNP rs2485220622, ClinGen allele CA369136474.

ClinVar aggregate classification (germline): Uncertain significance (1 of 4 stars; one submission).

Conditions:
Early Myoclonic Encephalopathy. Identifiers: MedGen C0270855.

Allele frequency attached by ClinVar (database versions not stated): gnomAD exomes below 0.00001.
gnomAD v4.1: 1 of 1,612,670 alleles (0.000062%); highest among the groups gnomAD compares: Non-Finnish European, 0.000085%; no homozygotes.

Submission:

Labcorp Genetics (formerly Invitae), Labcorp
Classification: Uncertain significance for Early Myoclonic Encephalopathy. Last evaluated: 2022-04-12. Review status: criteria provided, single submitter. Criteria: Invitae Variant Classification Sherloc (09022015). Collection method: clinical testing. Allele origin: germline.
Comment: In summary, the available evidence is currently insufficient to determine the role of this variant in disease. Therefore, it has been classified as a Variant of Uncertain Significance. Advanced modeling of protein sequence and biophysical properties (such as structural, functional, and spatial information, amino acid conservation, physicochemical variation, residue mobility, and thermodynamic stability) performed at Invitae indicates that this missense variant is not expected to disrupt KCND2 protein function. This variant has not been reported in the literature in individuals affected with KCND2-related conditions. This variant is not present in population databases (gnomAD no frequency). This sequence change replaces glutamic acid, which is acidic and polar, with glycine, which is neutral and non-polar, at codon 582 of the KCND2 protein (p.Glu582Gly).